The following is an entry in ClinVar:

ClinVar aggregate classification (germline): Benign (1 of 4 stars; one submission).

Conditions:
Neuropathy, hereditary sensory and autonomic, type 1C. Also called: HSAN IC; HSN IC. Identifiers: Orphanet 36386, MedGen C3150896, MONDO:0013337, OMIM 613640.

Allele frequency attached by ClinVar (database versions not stated): gnomAD 0.00015 and 0.00020; TOPMed 0.00019; gnomAD exomes 0.00027; 1000 Genomes Project 30x 0.00047; 1000 Genomes Project 0.00060.
gnomAD v4.1: 36 of 175,442 alleles (0.021%); highest among the groups gnomAD compares: South Asian, 0.19%; no homozygotes.

Submission:

Illumina Laboratory Services, Illumina
Classification: Benign for Neuropathy, hereditary sensory and autonomic, type 1C. Last evaluated: 2018-01-13. Review status: criteria provided, single submitter. Criteria: ICSL Variant Classification Criteria 13 December 2019. Collection method: clinical testing. Allele origin: germline.
Comment: This variant was observed in the ICSL laboratory as part of a predisposition screen in an ostensibly healthy population. It had not been previously curated by ICSL or reported in the Human Gene Mutation Database (HGMD: prior to June 1st, 2018), and was therefore a candidate for classification through an automated scoring system. Utilizing variant allele frequency, disease prevalence and penetrance estimates, and inheritance mode, an automated score was calculated to assess if this variant is too frequent to cause the disease. Based on the score and internal cut-off values, a variant classified as benign is not then subjected to further curation. The score for this variant resulted in a classification of benign for this disease.

NM_004863.4(SPTLC2):c.*513C>T

Gene: SPTLC2 (serine palmitoyltransferase long chain base subunit 2; minus strand). Cytogenetic location: 14q24.3.
Variant type: single nucleotide variant.
Coding change: c.*513C>T on transcript NM_004863.4 (MANE Select); 513 bases downstream of the stop codon, C replaced by T.
Molecular consequence: 3 prime UTR variant.
Genome position (GRCh38, 1-based): chr14:77,511,771, G>A on the plus strand (C>T on the coding strand, the complement: SPTLC2 is on the minus strand). VCF-style: chr14-77511771-G-A. GRCh37 (hg19) VCF-style: chr14-77978114-G-A.
Identifiers: ClinVar variation 886995 (VCV000886995.4), dbSNP rs530076018, ClinGen allele CA263821861.
Genomic context (GRCh38, chr14:77,511,771, plus strand): 5'-AGTCATCGCTTACTGTTTTTCTTAAAAGGCTAAACTTAAGATTAAAGGGTGAAAACTTCC[G>A]TTGATTACTTGAATGGTTAAATAAGGATTCCAAGGTTGGCCTTGAGACCTCTGAGACCTG-3'